The following is an entry in ClinVar:

ClinVar aggregate classification (germline): Uncertain significance (1 of 4 stars; one submission).

Submission:

GeneDx
Classification: Uncertain significance. Last evaluated: 2026-08-01. Review status: criteria provided, single submitter. Criteria: GeneDx Variant Classification Process June 2021. Collection method: clinical testing. Allele origin: germline.
Comment: Not observed at significant frequency in large population cohorts (gnomAD); In silico analysis supports that this missense variant has a deleterious effect on protein structure/function; Has not been previously published as pathogenic or benign to our knowledge

NM_005121.3(MED13):c.1423C>G (p.Pro475Ala)

Gene: MED13 (mediator complex subunit 13; minus strand). Cytogenetic location: 17q23.2.
Variant type: single nucleotide variant.
Coding change: c.1423C>G on transcript NM_005121.3 (MANE Select); coding-DNA position 1423, C replaced by G.
Protein change: p.Pro475Ala; replaces proline 475 with alanine.
Molecular consequence: missense variant.
Genome position (GRCh38, 1-based): chr17:62,011,094, G>C on the plus strand (C>G on the coding strand, the complement: MED13 is on the minus strand). VCF-style: chr17-62011094-G-C. GRCh37 (hg19) VCF-style: chr17-60088455-G-C.
Other names: short protein forms P475A.
Identifiers: ClinVar variation 3360033 (VCV003360033.2).
Genomic context (GRCh38, chr17:62,011,094, plus strand): 5'-GGCTGGCTGAATCTGCGTCCATGCCAACATCATCACTAACAGACACACGATGGTGAAAAG[G>C]AGTCAAGGGGCGTTTCTGTGGCTTTTCACTCTTTTCTTGCTTCTCATTGGTCTTGTGCTT-3'
Protein context (NP_005112.2, residues 465-485): SEKPQKRPLT[Pro475Ala]FHHRVSVSDD